The following is an entry in ClinVar:

ClinVar aggregate classification (germline): Likely pathogenic (1 of 4 stars; one submission).

Conditions:
Genitourinary and/or brain malformation syndrome (GUBS). Also called: PPP1R12A-Related Urogenital and/or Brain Malformation Syndrome. Identifiers: MedGen C5394158, MONDO:0032934, OMIM 618820.

Submission:

Clinical Genetics and Genomics, Karolinska University Hospital
Classification: Likely pathogenic for Genitourinary and/or brain malformation syndrome. Last evaluated: 2025-07-16. Review status: criteria provided, single submitter. Criteria: ACMG Guidelines, 2015. Collection method: clinical testing. Allele origin: germline. Inheritance: Autosomal dominant inheritance. Affected: yes.
Comment: PVS1, PM2

NM_002480.3(PPP1R12A):c.2650-2A>T

Gene: PPP1R12A (protein phosphatase 1 regulatory subunit 12A; minus strand). Cytogenetic location: 12q21.2.
Variant type: single nucleotide variant.
Coding change: c.2650-2A>T on transcript NM_002480.3 (MANE Select); the canonical splice acceptor site of the intron before coding-DNA position 2650, A replaced by T.
Molecular consequence: splice acceptor variant.
Genome position (GRCh38, 1-based): chr12:79,790,485, T>A on the plus strand (A>T on the coding strand, the complement: PPP1R12A is on the minus strand). VCF-style: chr12-79790485-T-A. GRCh37 (hg19) VCF-style: chr12-80184265-T-A.
Other names: c.2482-2A>T (NM_001244992.1); c.2650-2A>T (NM_001244990.2, NM_001143885.2); c.2389-2A>T (NM_001143886.2).
Identifiers: ClinVar variation 4755421 (VCV004755421.1).
Genomic context (GRCh38, chr12:79,790,485, plus strand): 5'-AAATAAGAAAAAAATGTCAGTTAAAAAATAAATAAAACATACCTAGAAATGGAATCCGTC[T>A]GGAAAGAAAGAGAAAAACATAGGCATACTAAATTTTTATGCTTTCATTAAACTATTAACC-3'